The following is an entry in ClinVar:

NC_000016.9:g.(?_47536882)_(47537021_?)del

Gene: PHKB (phosphorylase kinase regulatory subunit beta; plus strand). Cytogenetic location: 16q12.1.
Variant type: Deletion.
Identifiers: ClinVar variation 3243375 (VCV003243375.1).

ClinVar aggregate classification (germline): Pathogenic (1 of 4 stars; one submission).

Conditions:
Glycogen storage disease IXb (GSD9B). Also called: GLYCOGENOSIS OF LIVER AND MUSCLE, AUTOSOMAL RECESSIVE; GSD IXb; PHOSPHORYLASE KINASE DEFICIENCY OF LIVER AND MUSCLE, AUTOSOMAL RECESSIVE. Identifiers: Orphanet 79240, MedGen C0543514, MONDO:0009868, OMIM 261750.

Submission:

Labcorp Genetics (formerly Invitae), Labcorp
Classification: Pathogenic for Glycogen storage disease IXb. Last evaluated: 2023-08-29. Review status: criteria provided, single submitter. Criteria: Invitae Variant Classification Sherloc (09022015). Collection method: clinical testing. Allele origin: unknown.
Comment: This variant is a gross deletion of the genomic region encompassing exon(s) 4 of the PHKB gene. This deletion is out-of-frame, and is expected to create a premature termination codon and result in an absent or disrupted protein product. Loss-of-function variants in PHKB are known to be pathogenic (PMID: 9215682, 9326319). This variant has not been reported in the literature in individuals affected with PHKB-related conditions. For these reasons, this variant has been classified as Pathogenic.

Literature cited by the submitters: PubMed 9215682; PubMed 9326319.